The following is an entry in ClinVar:

ClinVar aggregate classification (germline): Benign/Likely benign. Review status: criteria provided, multiple submitters, no conflicts (2 of 4 stars). 6 submissions from 6 submitters: Benign (1); Likely benign (5). Last evaluated 2025-12-29.

Conditions:
Hereditary cancer-predisposing syndrome. Also called: Hereditary neoplastic syndrome; Neoplastic Syndromes, Hereditary; Tumor predisposition; Hereditary Cancer Syndrome. Identifiers: Orphanet 140162, MedGen C0027672, MeSH D009386, MONDO:0015356.
Familial cancer of breast. Also called: Hereditary breast cancer; BREAST CANCER, FAMILIAL; hereditary breast carcinoma. Identifiers: Orphanet 227535, MedGen C0346153, MONDO:0016419, OMIM 114480. Disease mechanism: loss of function.

Allele frequency attached by ClinVar (database versions not stated): gnomAD exomes 0.00001 and 0.00002; ExAC 0.00002; TOPMed 0.00002; gnomAD 0.00003.

Submissions (6):

Center for Genomic Medicine, Rigshospitalet, Copenhagen University Hospital
Classification: Likely benign. Last evaluated: 2025-12-29. Review status: criteria provided, single submitter. Criteria: ACMG Guidelines, 2015. Collection method: clinical testing. Allele origin: germline.

Labcorp Genetics (formerly Invitae), Labcorp
Classification: Likely benign for Familial cancer of breast. Last evaluated: 2025-01-28. Review status: criteria provided, single submitter. Criteria: Invitae Variant Classification Sherloc (09022015). Collection method: clinical testing. Allele origin: germline.

Women's Health and Genetics/Laboratory Corporation of America, LabCorp
Classification: Likely benign. Last evaluated: 2024-12-12. Review status: criteria provided, single submitter. Criteria: LabCorp Variant Classification Summary - May 2015. Collection method: clinical testing. Allele origin: germline.

Blueprint Genetics
Classification: Likely benign. Last evaluated: 2023-09-20. Review status: criteria provided, single submitter. Criteria: ACMG Guidelines, 2015. Collection method: clinical testing. Allele origin: germline.

GeneDx
Classification: Benign. Last evaluated: 2015-07-28. Review status: criteria provided, single submitter. Criteria: GeneDx Variant Classification (06012015). Collection method: clinical testing. Allele origin: germline. Affected: yes.
Comment: This variant is considered likely benign or benign based on one or more of the following criteria: it is a conservative change, it occurs at a poorly conserved position in the protein, it is predicted to be benign by multiple in silico algorithms, and/or has population frequency not consistent with disease.

Color Diagnostics, LLC DBA Color Health
Classification: Likely benign for Hereditary cancer-predisposing syndrome. Last evaluated: 2015-04-27. Review status: criteria provided, single submitter. Criteria: ACMG Guidelines, 2015. Collection method: clinical testing. Allele origin: germline.

NM_024675.4(PALB2):c.108+12G>A

Gene: PALB2 (partner and localizer of BRCA2; minus strand). Cytogenetic location: 16p12.2.
Variant type: single nucleotide variant.
Coding change: c.108+12G>A on transcript NM_024675.4 (MANE Select); 12 bases into the intron after coding-DNA position 108, G replaced by A.
Molecular consequence: intron variant.
Genome position (GRCh38, 1-based): chr16:23,638,058, C>T on the plus strand (G>A on the coding strand, the complement: PALB2 is on the minus strand). VCF-style: chr16-23638058-C-T. GRCh37 (hg19) VCF-style: chr16-23649379-C-T.
Identifiers: ClinVar variation 492145 (VCV000492145.15), dbSNP rs558824045, ClinGen allele CA7963857.
Genomic context (GRCh38, chr16:23,638,058, plus strand): 5'-TTTATAGAGTCAAGAACTGTTTTTAAATTGTTTGTACTATAACACCTTAATTTGAGAATA[C>T]GATTCACTTACCTGAAGGCGGGCTAGTGTCTTGCTGTATTCCCTTTTCAAGAATGCTAAT-3'